The following is an entry in ClinVar:

ClinVar aggregate classification (germline): Conflicting classifications of pathogenicity. Review status: criteria provided, conflicting classifications (1 of 4 stars). 7 submissions from 7 submitters: Uncertain significance (4); Likely benign (3). Last evaluated 2025-12-16.

Conditions:
Cardiovascular phenotype. Identifiers: MedGen CN230736.
Myofibrillar myopathy 5. Also called: Filaminopathy (type); FILAMINOPATHY, AUTOSOMAL DOMINANT. Identifiers: Orphanet 171445, MedGen C1836050, MONDO:0012289, OMIM 609524.
Hypertrophic cardiomyopathy 26. Also called: Cardiomyopathy, familial hypertrophic, 26. Identifiers: Orphanet 75249, MedGen C4310749, MONDO:0014883, OMIM 617047.
Distal myopathy with posterior leg and anterior hand involvement. Also called: WILLIAMS DISTAL MYOPATHY. Identifiers: Orphanet 63273, MedGen C3279722, MONDO:0013550, OMIM 614065.

Allele frequency attached by ClinVar (database versions not stated): ExAC 0.00001.

Submissions (7):

Ambry Genetics
Classification: Uncertain significance for Cardiovascular phenotype. Last evaluated: 2025-12-16. Review status: criteria provided, single submitter. Criteria: Ambry Variant Classification Scheme 2023. Collection method: clinical testing. Allele origin: germline.
Comment: The p.R2141Q variant (also known as c.6422G>A), located in coding exon 39 of the FLNC gene, results from a G to A substitution at nucleotide position 6422. The arginine at codon 2141 is replaced by glutamine, an amino acid with highly similar properties. This amino acid position is conserved. In addition, this alteration is predicted to be tolerated by in silico analysis. Based on the available evidence, the clinical significance of this variant remains unclear.

Molecular Diagnostic Laboratory for Inherited Cardiovascular Disease, Montreal Heart Institute
Classification: Likely benign. Last evaluated: 2025-04-09. Review status: criteria provided, single submitter. Criteria: ACMG Guidelines, 2015. Collection method: clinical testing. Allele origin: germline. Affected: no.
Comment: PM2, BP4

CeGaT Center for Human Genetics Tuebingen
Classification: Likely benign. Last evaluated: 2024-10-01. Review status: criteria provided, single submitter. Criteria: CeGaT Center For Human Genetics Tuebingen Variant Classification Criteria Version 2. Collection method: clinical testing. Allele origin: germline. Affected: yes. Observed: 1 variant allele.
Comment: FLNC: PM2:Supporting, BP1, BP4

Blueprint Genetics
Classification: Likely benign. Last evaluated: 2024-04-19. Review status: criteria provided, single submitter. Criteria: ACMG Guidelines, 2015. Collection method: clinical testing. Allele origin: germline.

Clinical Genetics Laboratory, Skane University Hospital Lund
Classification: Uncertain significance. Last evaluated: 2023-07-13. Review status: criteria provided, single submitter. Criteria: ACMG Guidelines, 2015. Collection method: clinical testing. Allele origin: germline. Affected: yes.

Labcorp Genetics (formerly Invitae), Labcorp
Classification: Uncertain significance for Distal myopathy with posterior leg and anterior hand involvement; Myofibrillar myopathy 5; Hypertrophic cardiomyopathy 26. Last evaluated: 2023-01-28. Review status: criteria provided, single submitter. Criteria: Invitae Variant Classification Sherloc (09022015). Collection method: clinical testing. Allele origin: germline.
Comment: This variant is present in population databases (rs769106207, gnomAD 0.0009%). This sequence change replaces arginine, which is basic and polar, with glutamine, which is neutral and polar, at codon 2141 of the FLNC protein (p.Arg2141Gln). This variant has not been reported in the literature in individuals affected with FLNC-related conditions. In summary, the available evidence is currently insufficient to determine the role of this variant in disease. Therefore, it has been classified as a Variant of Uncertain Significance. Algorithms developed to predict the effect of missense changes on protein structure and function (SIFT, PolyPhen-2, Align-GVGD) all suggest that this variant is likely to be tolerated. ClinVar contains an entry for this variant (Variation ID: 998869).

Revvity Omics, Revvity
Classification: Uncertain significance. Last evaluated: 2019-09-25. Review status: criteria provided, single submitter. Criteria: ACMG Guidelines, 2015. Collection method: clinical testing. Allele origin: germline.

NM_001458.5(FLNC):c.6422G>A (p.Arg2141Gln)

Genes: FLNC (filamin C; plus strand), FLNC-AS1 (FLNC antisense RNA 1; minus strand). Cytogenetic location: 7q32.1.
Variant type: single nucleotide variant.
Coding change: c.6422G>A on transcript NM_001458.5 (MANE Select); coding-DNA position 6422, G replaced by A.
Protein change: p.Arg2141Gln; replaces arginine 2141 with glutamine.
Molecular consequence: missense variant.
Genome position (GRCh38, 1-based): chr7:128,853,775, G>A. VCF-style: chr7-128853775-G-A. GRCh37 (hg19) VCF-style: chr7-128493829-G-A.
Other names: c.6422G>A (NM_001458.4); c.6323G>A, p.Arg2108Gln (NM_001127487.2); short protein forms R2108Q, R2141Q.
Identifiers: ClinVar variation 998869 (VCV000998869.28), dbSNP rs769106207, ClinGen allele CA4475977.